The following is an entry in ClinVar:

ClinVar aggregate classification (germline): Benign/Likely benign. Review status: criteria provided, multiple submitters, no conflicts (2 of 4 stars). 3 submissions from 3 submitters: Benign (2); Likely benign (1). Last evaluated 2025-10-27.

Conditions:
Vitreoretinopathy. Also called: Vitreoretinal degeneration. Identifiers: MedGen C0344290, MONDO:0020248, HP:0007773.

Allele frequency attached by ClinVar (database versions not stated): gnomAD 0.00004 and 0.00015; TOPMed 0.00005; 1000 Genomes Project 30x 0.00016; 1000 Genomes Project 0.00020; gnomAD exomes 0.00024; ExAC 0.00025.
gnomAD v4.1: 327 of 1,614,070 alleles (0.02%); highest among the groups gnomAD compares: South Asian, 0.2%; 3 homozygotes.

Submissions (3):

Labcorp Genetics (formerly Invitae), Labcorp
Classification: Benign. Last evaluated: 2025-10-27. Review status: criteria provided, single submitter. Criteria: Invitae Variant Classification Sherloc (09022015). Collection method: clinical testing. Allele origin: germline.

Blueprint Genetics
Classification: Likely benign. Last evaluated: 2024-11-04. Review status: criteria provided, single submitter. Criteria: ACMG Guidelines, 2015. Collection method: clinical testing. Allele origin: germline.

Illumina Laboratory Services, Illumina
Classification: Benign for Vitreoretinopathy. Last evaluated: 2018-01-13. Review status: criteria provided, single submitter. Criteria: ICSL Variant Classification Criteria 13 December 2019. Collection method: clinical testing. Allele origin: germline.
Comment: This variant was observed in the ICSL laboratory as part of a predisposition screen in an ostensibly healthy population. It had not been previously curated by ICSL or reported in the Human Gene Mutation Database (HGMD: prior to June 1st, 2018), and was therefore a candidate for classification through an automated scoring system. Utilizing variant allele frequency, disease prevalence and penetrance estimates, and inheritance mode, an automated score was calculated to assess if this variant is too frequent to cause the disease. Based on the score and internal cut-off values, a variant classified as benign is not then subjected to further curation. The score for this variant resulted in a classification of benign for this disease.

NM_004385.5(VCAN):c.8338C>T (p.Leu2780=)

Genes: VCAN (versican; plus strand), VCAN-AS1 (VCAN antisense RNA 1; minus strand). Cytogenetic location: 5q14.3.
Variant type: single nucleotide variant.
Coding change: c.8338C>T on transcript NM_004385.5 (MANE Select); coding-DNA position 8338, C replaced by T.
Protein change: p.Leu2780=; no amino-acid change (leucine 2780 retained).
Molecular consequence: synonymous variant. On other transcripts: intron variant (2).
Genome position (GRCh38, 1-based): chr5:83,541,341, C>T. VCF-style: chr5-83541341-C-T. GRCh37 (hg19) VCF-style: chr5-82837160-C-T.
Other names: c.5377C>T, p.Leu1793= (NM_001164097.2); c.4004-4196C>T (NM_001164098.2); c.1043-4196C>T (NM_001126336.3).
Identifiers: ClinVar variation 354457 (VCV000354457.15), dbSNP rs541755820, ClinGen allele CA3333788.